The following is an entry in ClinVar:

ClinVar aggregate classification (germline): Likely benign. Review status: criteria provided, single submitter (1 of 4 stars). 2 submissions from 2 submitters: Likely benign (1). 1 of the submissions does not count toward it. Last evaluated 2025-01-11.

Conditions:
AFF4-related disorder. Also called: AFF4-related condition.
Cognitive impairment - coarse facies - heart defects - obesity - pulmonary involvement - short stature - skeletal dysplasia syndrome. Also called: AFF4-Related CHOPS Syndrome; COGNITIVE IMPAIRMENT, COARSE FACIES, HEART DEFECTS, OBESITY, PULMONARY INVOLVEMENT, SHORT STATURE, AND SKELETAL DYSPLASIA; Chops syndrome. Identifiers: Orphanet 444077, MedGen C4085597, MONDO:0014609, OMIM 616368.

Allele frequency attached by ClinVar (database versions not stated): gnomAD 0.00006 and 0.00005; 1000 Genomes Project 0.00020; 1000 Genomes Project 30x 0.00031; gnomAD exomes 0.00001 and 0.00002; ExAC 0.00003; TOPMed 0.00005.
gnomAD v4.1: 30 of 1,613,216 alleles (0.0019%); highest among the groups gnomAD compares: African/African-American, 0.012%; 2 homozygotes.

Submissions (2):

Labcorp Genetics (formerly Invitae), Labcorp
Classification: Likely benign for Cognitive impairment - coarse facies - heart defects - obesity - pulmonary involvement - short stature - skeletal dysplasia syndrome. Last evaluated: 2025-01-11. Review status: criteria provided, single submitter. Criteria: Invitae Variant Classification Sherloc (09022015). Collection method: clinical testing. Allele origin: germline.

PreventionGenetics, part of Exact Sciences
Classification: Likely benign for AFF4-related condition. Last evaluated: 2020-10-12. Review status: no assertion criteria provided. Collection method: clinical testing. Allele origin: germline. Not counted in ClinVar's aggregate classification.
Comment: This variant is classified as likely benign based on ACMG/AMP sequence variant interpretation guidelines (Richards et al. 2015 PMID: 25741868, with internal and published modifications).

NM_014423.4(AFF4):c.1209G>A (p.Pro403=)

Gene: AFF4 (ALF transcription elongation factor 4; minus strand). Cytogenetic location: 5q31.1.
Variant type: single nucleotide variant.
Coding change: c.1209G>A on transcript NM_014423.4 (MANE Select); coding-DNA position 1209, G replaced by A.
Protein change: p.Pro403=; no amino-acid change (proline 403 retained).
Molecular consequence: synonymous variant.
Genome position (GRCh38, 1-based): chr5:132,899,121, C>T on the plus strand (G>A on the coding strand, the complement: AFF4 is on the minus strand). VCF-style: chr5-132899121-C-T. GRCh37 (hg19) VCF-style: chr5-132234813-C-T.
Identifiers: ClinVar variation 763708 (VCV000763708.8), dbSNP rs186301624, ClinGen allele CA3409159.